The following is an entry in ClinVar:

ClinVar aggregate classification (germline): Benign/Likely benign. Review status: criteria provided, multiple submitters, no conflicts (2 of 4 stars). 5 submissions from 5 submitters: Benign (1); Likely benign (4). Last evaluated 2026-09-01.

Conditions:
Sotos syndrome (SOTOS). Also called: SOTOS SYNDROME 1; CEREBRAL GIGANTISM; Sotos' syndrome; CHROMOSOME 5q35 DELETION SYNDROME; Distinctive facial appearance, overgrowth in childhood, and learning disabilities or delayed development. Identifiers: Orphanet 821, MedGen C0175695, MONDO:0019349, OMIM 117550.

Allele frequency attached by ClinVar (database versions not stated): gnomAD 0.00007; gnomAD exomes 0.00007 and 0.00015; TOPMed 0.00008; ExAC 0.00009.
gnomAD v4.1: 111 of 1,613,912 alleles (0.0069%); highest among the groups gnomAD compares: African/African-American, 0.0027%; no homozygotes.

Submissions (5):

CeGaT Center for Human Genetics Tuebingen
Classification: Likely benign. Last evaluated: 2026-09-01. Review status: criteria provided, single submitter. Criteria: CeGaT Center For Human Genetics Tuebingen Variant Classification Criteria Version 2. Collection method: clinical testing. Allele origin: germline. Affected: yes. Observed: 1 variant allele.
Comment: NSD1: BP4, BP7

Labcorp Genetics (formerly Invitae), Labcorp
Classification: Benign. Last evaluated: 2026-01-21. Review status: criteria provided, single submitter. Criteria: Invitae Variant Classification Sherloc (09022015). Collection method: clinical testing. Allele origin: germline.

Blueprint Genetics
Classification: Likely benign. Last evaluated: 2024-11-07. Review status: criteria provided, single submitter. Criteria: ACMG Guidelines, 2015. Collection method: clinical testing. Allele origin: germline.

Fulgent Genetics
Classification: Likely benign for Sotos syndrome. Last evaluated: 2022-02-04. Review status: criteria provided, single submitter. Criteria: ACMG Guidelines, 2015. Collection method: clinical testing. Allele origin: unknown.

GeneDx
Classification: Likely benign. Last evaluated: 2020-08-05. Review status: criteria provided, single submitter. Criteria: GeneDx Variant Classification Process June 2021. Collection method: clinical testing. Allele origin: germline. Affected: yes.

NM_022455.5(NSD1):c.1095C>T (p.Tyr365=)

Gene: NSD1 (nuclear receptor binding SET domain protein 1; plus strand). Cytogenetic location: 5q35.3.
Variant type: single nucleotide variant.
Coding change: c.1095C>T on transcript NM_022455.5 (MANE Select); coding-DNA position 1095, C replaced by T.
Protein change: p.Tyr365=; no amino-acid change (tyrosine 365 retained).
Molecular consequence: synonymous variant.
Genome position (GRCh38, 1-based): chr5:177,204,151, C>T. VCF-style: chr5-177204151-C-T. GRCh37 (hg19) VCF-style: chr5-176631152-C-T.
Other names: c.222C>T, p.Tyr74= (NM_001365684.2, NM_001409306.1, NM_001409307.1 and 3 more transcripts); c.1095C>T, p.Tyr365= (NM_001409301.1, NM_001409302.1, NM_001409303.1); c.675C>T, p.Tyr225= (NM_001409304.1); c.342C>T, p.Tyr114= (NM_001409305.1).
Identifiers: ClinVar variation 1187636 (VCV001187636.10), dbSNP rs200080728, ClinGen allele CA3577038.
Genomic context (GRCh38, chr5:177,204,151, plus strand): 5'-ATGATTCTGGTTCTCTTACCCTTACCTAGTTTCCAACCGGAGGCCCTATCGGCAGTACTA[C>T]GTGGAGGCTTTTGGAGATCCTTCTGAGAGAGCCTGGGTGGCTGGAAAAGCAATCGTCATG-3'
Protein context (NP_071900.2, residues 355-375): VSNRRPYRQY[Tyr365=]VEAFGDPSER